The following is an entry in ClinVar:

ClinVar aggregate classification (germline): Pathogenic (1 of 4 stars; one submission).

Conditions:
Bethlem myopathy 1A. Also called: MYOPATHY, BENIGN CONGENITAL, WITH CONTRACTURES; Bethlem Muscular Dystrophy; Bethlem myopathy 1. Identifiers: Orphanet 610, MedGen CN029274, MONDO:0024530, OMIM 158810.

Allele frequency attached by ClinVar (database versions not stated): gnomAD exomes below 0.00001; TOPMed below 0.00001.
gnomAD v4.1: 1 of 1,614,026 alleles (0.000062%); highest among the groups gnomAD compares: South Asian, 0.0011%; no homozygotes.

Submission:

Labcorp Genetics (formerly Invitae), Labcorp
Classification: Pathogenic for Bethlem myopathy 1A. Last evaluated: 2024-07-19. Review status: criteria provided, single submitter. Criteria: Invitae Variant Classification Sherloc (09022015). Collection method: clinical testing. Allele origin: germline.
Comment: This sequence change creates a premature translational stop signal (p.Trp3128*) in the COL6A3 gene. It is expected to result in an absent or disrupted protein product. Loss-of-function variants in COL6A3 are known to be pathogenic (PMID: 26004199). This variant is present in population databases (no rsID available, gnomAD 0.003%). This variant has not been reported in the literature in individuals affected with COL6A3-related conditions. ClinVar contains an entry for this variant (Variation ID: 1452162). For these reasons, this variant has been classified as Pathogenic.

Literature cited by the submitters: PubMed 26004199.

NM_004369.4(COL6A3):c.9384G>A (p.Trp3128Ter)

Genes: COL6A3 (collagen type VI alpha 3 chain; minus strand), LOC126806573 (CDK7 strongly-dependent group 2 enhancer GRCh37_chr2:238233151-238234350; plus strand). Cytogenetic location: 2q37.3.
Variant type: single nucleotide variant.
Coding change: c.9384G>A on transcript NM_004369.4 (MANE Select); coding-DNA position 9384, G replaced by A.
Protein change: p.Trp3128Ter; replaces tryptophan 3128 with a stop codon.
Molecular consequence: nonsense.
Genome position (GRCh38, 1-based): chr2:237,325,669, C>T on the plus strand (G>A on the coding strand, the complement: COL6A3 is on the minus strand). VCF-style: chr2-237325669-C-T. GRCh37 (hg19) VCF-style: chr2-238234312-C-T.
Other names: c.7563G>A, p.Trp2521Ter (NM_057166.5); c.8766G>A, p.Trp2922Ter (NM_057167.4); short protein forms W2922*, W3128*, W2521*.
Identifiers: ClinVar variation 1452162 (VCV001452162.6), dbSNP rs1405374416, ClinGen allele CA351185570.